The following is an entry in ClinVar:

ClinVar aggregate classification (germline): Uncertain significance. Review status: criteria provided, multiple submitters, no conflicts (2 of 4 stars). 2 submissions from 2 submitters: Uncertain significance (2). Last evaluated 2022-03-18.

Conditions:
Ehlers-Danlos syndrome, musculocontractural type 2 (EDSMC2). Identifiers: Orphanet 2953, MedGen C3809845, MONDO:0014236, OMIM 615539.

Allele frequency attached by ClinVar (database versions not stated): gnomAD exomes 0.00002 and 0.00006; TOPMed 0.00003; gnomAD 0.00004; ExAC 0.00007.
gnomAD v4.1: 32 of 1,614,122 alleles (0.002%); highest among the groups gnomAD compares: East Asian, 0.02%; no homozygotes.

Submissions (2):

Labcorp Genetics (formerly Invitae), Labcorp
Classification: Uncertain significance for Ehlers-Danlos syndrome, musculocontractural type 2. Last evaluated: 2022-03-18. Review status: criteria provided, single submitter. Criteria: Invitae Variant Classification Sherloc (09022015). Collection method: clinical testing. Allele origin: germline.
Comment: In summary, the available evidence is currently insufficient to determine the role of this variant in disease. Therefore, it has been classified as a Variant of Uncertain Significance. Algorithms developed to predict the effect of missense changes on protein structure and function are either unavailable or do not agree on the potential impact of this missense change (SIFT: "Not Available"; PolyPhen-2: "Benign"; Align-GVGD: "Not Available"). This sequence change replaces threonine, which is neutral and polar, with methionine, which is neutral and non-polar, at codon 72 of the DSE protein (p.Thr72Met). This variant is present in population databases (rs201564300, gnomAD 0.05%). This variant has not been reported in the literature in individuals affected with DSE-related conditions. ClinVar contains an entry for this variant (Variation ID: 1188576).

GeneDx
Classification: Uncertain significance. Last evaluated: 2020-10-15. Review status: criteria provided, single submitter. Criteria: GeneDx Variant Classification Process June 2021. Collection method: clinical testing. Allele origin: germline. Affected: yes.
Comment: Has not been previously published as pathogenic or benign to our knowledge; In silico analysis, which includes protein predictors and evolutionary conservation, supports that this variant does not alter protein structure/function

NM_013352.4(DSE):c.215C>T (p.Thr72Met)

Gene: DSE (dermatan sulfate epimerase; plus strand). Cytogenetic location: 6q22.1.
Variant type: single nucleotide variant.
Coding change: c.215C>T on transcript NM_013352.4 (MANE Select); coding-DNA position 215, C replaced by T.
Protein change: p.Thr72Met; replaces threonine 72 with methionine.
Molecular consequence: missense variant. On other transcripts: 5 prime UTR variant (4), non-coding transcript variant (1).
Genome position (GRCh38, 1-based): chr6:116,399,465, C>T. VCF-style: chr6-116399465-C-T. GRCh37 (hg19) VCF-style: chr6-116720628-C-T.
Other names: c.215C>T, p.Thr72Met (NM_001080976.3, NM_001322937.2, NM_001322938.2 and 3 more transcripts); c.272C>T, p.Thr91Met (NM_001322939.2); c.-343C>T (NM_001322940.2, NM_001322941.2); c.-686C>T (NM_001374520.1); c.-373C>T (NM_001374521.1); short protein forms T72M, T91M.
Identifiers: ClinVar variation 1188576 (VCV001188576.6), dbSNP rs201564300, ClinGen allele CA3969489.